The following is an entry in ClinVar:

ClinVar aggregate classification (germline): Uncertain significance (1 of 4 stars; one submission).

Conditions:
Primary ciliary dyskinesia. Also called: Ciliary dyskinesia. Identifiers: Orphanet 244, MedGen C0008780, MONDO:0016575, HP:0012265.

Allele frequency attached by ClinVar (database versions not stated): gnomAD exomes below 0.00001; ExAC 0.00001; TOPMed 0.00001.
gnomAD v4.1: 1 of 1,613,918 alleles (0.000062%); highest among the groups gnomAD compares: Admixed American, 0.0017%; no homozygotes.

Submission:

Labcorp Genetics (formerly Invitae), Labcorp
Classification: Uncertain significance for Primary ciliary dyskinesia. Last evaluated: 2021-01-29. Review status: criteria provided, single submitter. Criteria: Invitae Variant Classification Sherloc (09022015). Collection method: clinical testing. Allele origin: germline.
Comment: In summary, this variant is a rare missense change that is not predicted to affect protein function. There is no indication that it causes disease, but the available evidence is currently insufficient to prove that conclusively. Therefore, it has been classified as a Variant of Uncertain Significance. Algorithms developed to predict the effect of missense changes on protein structure and function output the following: SIFT: "Tolerated"; PolyPhen-2: "Benign"; Align-GVGD: "Class C0". The serine amino acid residue is found in multiple mammalian species, suggesting that this missense change does not adversely affect protein function. These predictions have not been confirmed by published functional studies. This variant is present in population databases (rs751749516, ExAC 0.009%) but has not been reported in the literature in individuals with a DNAAF3-related disease. This sequence change replaces glycine with serine at codon 566 of the DNAAF3 protein (p.Gly566Ser). The glycine residue is weakly conserved and there is a small physicochemical difference between glycine and serine.

NM_001256715.2(DNAAF3):c.1495G>A (p.Gly499Ser)

Gene: DNAAF3 (dynein axonemal assembly factor 3; minus strand). Cytogenetic location: 19q13.42.
Variant type: single nucleotide variant.
Coding change: c.1495G>A on transcript NM_001256715.2 (MANE Select); coding-DNA position 1495, G replaced by A.
Protein change: p.Gly499Ser; replaces glycine 499 with serine.
Molecular consequence: missense variant.
Genome position (GRCh38, 1-based): chr19:55,159,193, C>T on the plus strand (G>A on the coding strand, the complement: DNAAF3 is on the minus strand). VCF-style: chr19-55159193-C-T. GRCh37 (hg19) VCF-style: chr19-55670561-C-T.
Other names: c.1333G>A, p.Gly445Ser (NM_001256716.2); c.1636G>A, p.Gly546Ser (NM_178837.4); c.1696G>A, p.Gly566Ser (NM_001256714.1); short protein forms G566S, G546S, G445S, G499S.
Identifiers: ClinVar variation 454619 (VCV000454619.11), dbSNP rs751749516, ClinGen allele CA9667767.